The following is an entry in ClinVar:

NM_001033044.4(GLUL):c.880C>T (p.Leu294=)

Gene: GLUL (glutamate-ammonia ligase; minus strand). Cytogenetic location: 1q25.3.
Variant type: single nucleotide variant.
Coding change: c.880C>T on transcript NM_001033044.4 (MANE Select); coding-DNA position 880, C replaced by T.
Protein change: p.Leu294=; no amino-acid change (leucine 294 retained).
Molecular consequence: synonymous variant.
Genome position (GRCh38, 1-based): chr1:182,384,647, G>A on the plus strand (C>T on the coding strand, the complement: GLUL is on the minus strand). VCF-style: chr1-182384647-G-A. GRCh37 (hg19) VCF-style: chr1-182353782-G-A.
Other names: c.880C>T, p.Leu294= (NM_001033056.4, NM_002065.7).
Identifiers: ClinVar variation 293942 (VCV000293942.22), dbSNP rs199824213, ClinGen allele CA1277009.

ClinVar aggregate classification (germline): Conflicting classifications of pathogenicity. Review status: criteria provided, conflicting classifications (1 of 4 stars). 3 submissions from 3 submitters: Uncertain significance (1); Likely benign (2). Last evaluated 2026-06-01.

Conditions:
Congenital brain dysgenesis due to glutamine synthetase deficiency (GLND). Also called: GLUTAMINE SYNTHASE DEFICIENCY, CONGENITAL SYSTEMIC. Identifiers: Orphanet 71278, MedGen C1864910, MONDO:0012393, OMIM 610015.

Allele frequency attached by ClinVar (database versions not stated): ExAC 0.00014; gnomAD exomes 0.00018 and 0.00044; ESP Exome Variant Server 0.00023; gnomAD 0.00025 and 0.00026; TOPMed 0.00026.
gnomAD v4.1: 708 of 1,613,994 alleles (0.044%); highest among the groups gnomAD compares: Non-Finnish European, 0.055%; no homozygotes.

Submissions (3):

CeGaT Center for Human Genetics Tuebingen
Classification: Likely benign. Last evaluated: 2026-06-01. Review status: criteria provided, single submitter. Criteria: CeGaT Center For Human Genetics Tuebingen Variant Classification Criteria Version 2. Collection method: clinical testing. Allele origin: germline. Affected: yes. Observed: 2 variant alleles.
Comment: GLUL: BP4, BP7

Labcorp Genetics (formerly Invitae), Labcorp
Classification: Likely benign for Congenital brain dysgenesis due to glutamine synthetase deficiency. Last evaluated: 2025-11-19. Review status: criteria provided, single submitter. Criteria: Invitae Variant Classification Sherloc (09022015). Collection method: clinical testing. Allele origin: germline.

Illumina Laboratory Services, Illumina
Classification: Uncertain significance for Congenital brain dysgenesis due to glutamine synthetase deficiency. Last evaluated: 2018-01-12. Review status: criteria provided, single submitter. Criteria: ICSL Variant Classification Criteria 13 December 2019. Collection method: clinical testing. Allele origin: germline.